The following is an entry in ClinVar:

ClinVar aggregate classification (germline): Uncertain significance. Review status: criteria provided, multiple submitters, no conflicts (2 of 4 stars). 2 submissions from 2 submitters: Uncertain significance (2). Last evaluated 2025-01-01.

Conditions:
PCNT-related disorder. Also called: PCNT-related condition.
Microcephalic osteodysplastic primordial dwarfism type II (MOPD2). Also called: Microcephalic osteodysplastic primordial dwarfism with tooth abnormalities; MOPD II; OSTEODYSPLASTIC PRIMORDIAL DWARFISM, TYPE II. Identifiers: Orphanet 2637, MedGen C0432246, MONDO:0008872, OMIM 210720.

Allele frequency attached by ClinVar (database versions not stated): TOPMed below 0.00001; ExAC 0.00001; gnomAD 0.00001; gnomAD exomes 0.00001.
gnomAD v4.1: 11 of 1,613,956 alleles (0.00068%); highest among the groups gnomAD compares: South Asian, 0.0022%; no homozygotes.

Submissions (2):

PreventionGenetics, part of Exact Sciences
Classification: Uncertain significance for PCNT-related condition. Last evaluated: 2025-01-01. Review status: criteria provided, single submitter. Criteria: ACMG Guidelines, 2015. Collection method: clinical testing. Allele origin: germline.
Comment: The PCNT c.8641C>T variant is predicted to result in the amino acid substitution p.Arg2881Trp. To our knowledge, this variant has not been reported in the literature. This variant is reported in 0.0018% of alleles in individuals of European (Non-Finnish) descent in gnomAD. At this time, the clinical significance of this variant is uncertain due to the absence of conclusive functional and genetic evidence.

Illumina Laboratory Services, Illumina
Classification: Uncertain significance for Microcephalic osteodysplastic primordial dwarfism type II. Last evaluated: 2017-10-04. Review status: criteria provided, single submitter. Criteria: ICSL Variant Classification Criteria 13 December 2019. Collection method: clinical testing. Allele origin: germline.
Comment: This variant was observed as part of a predisposition screen in an ostensibly healthy population. A literature search was performed for the gene, cDNA change, and amino acid change (where applicable). Publications were found based on this search. However, the evidence from the literature, in combination with allele frequency data from public databases where available, was not sufficient to rule this variant in or out of causing disease. Therefore, this variant is classified as a variant of unknown significance.

Literature cited by the submitters: PubMed 27900370 (cited by Illumina Laboratory Services, Illumina).

NM_006031.6(PCNT):c.8641C>T (p.Arg2881Trp)

Gene: PCNT (pericentrin; plus strand). Cytogenetic location: 21q22.3.
Variant type: single nucleotide variant.
Coding change: c.8641C>T on transcript NM_006031.6 (MANE Select); coding-DNA position 8641, C replaced by T.
Protein change: p.Arg2881Trp; replaces arginine 2881 with tryptophan.
Molecular consequence: missense variant. On other transcripts: intron variant (1).
Genome position (GRCh38, 1-based): chr21:46,432,105, C>T. VCF-style: chr21-46432105-C-T. GRCh37 (hg19) VCF-style: chr21-47852019-C-T.
Other names: c.8160+127C>T (NM_001315529.2); short protein forms R2881W.
Identifiers: ClinVar variation 898922 (VCV000898922.5), dbSNP rs766529116, ClinGen allele CA10081016.